The following is an entry in ClinVar:

NM_001366521.1(ATP2B1):c.3062T>C (p.Ile1021Thr)

Gene: ATP2B1 (ATPase plasma membrane Ca2+ transporting 1; minus strand). Cytogenetic location: 12q21.33.
Variant type: single nucleotide variant.
Coding change: c.3062T>C on transcript NM_001366521.1 (MANE Select); coding-DNA position 3062, T replaced by C.
Protein change: p.Ile1021Thr; replaces isoleucine 1021 with threonine.
Molecular consequence: missense variant. On other transcripts: non-coding transcript variant (2), intron variant (5).
Genome position (GRCh38, 1-based): chr12:89,601,432, A>G on the plus strand (T>C on the coding strand, the complement: ATP2B1 is on the minus strand). VCF-style: chr12-89601432-A-G. GRCh37 (hg19) VCF-style: chr12-89995209-A-G.
Other names: c.2501T>C, p.Ile834Thr (NM_001413058.1, NM_001413059.1, NM_001413060.1 and 2 more transcripts); c.3062T>C, p.Ile1021Thr (NM_001682.3, NM_001413046.1, NM_001413047.1 and 8 more transcripts); c.3060+1611T>C (NM_001413050.1, NM_001366529.1, NM_001366528.1 and 1 more transcripts); c.2919+1611T>C (NM_001413055.1); c.3023T>C, p.Ile1008Thr (NM_001413048.1); c.2921T>C, p.Ile974Thr (NM_001413051.1, NM_001413052.1); c.2864T>C, p.Ile955Thr (NM_001413053.1, NM_001366530.1); c.2819T>C, p.Ile940Thr (NM_001413054.1); and 2 more; short protein forms I936T, I955T, I1008T, I1021T, I940T, I974T, I834T, I870T.
Identifiers: ClinVar variation 4836340 (VCV004836340.1).

ClinVar aggregate classification (germline): Likely pathogenic (1 of 4 stars; one submission).

Conditions:
Inborn genetic diseases. Identifiers: MedGen C0950123, MeSH D030342.

Submission:

Ambry Genetics
Classification: Likely pathogenic for Inborn genetic diseases. Last evaluated: 2026-01-12. Review status: criteria provided, single submitter. Criteria: Ambry Variant Classification Scheme 2023. Collection method: clinical testing. Allele origin: germline.
Comment: The c.3062T>C (p.I1021T) alteration is located in exon 18 (coding exon 18) of the ATP2B1 gene. This alteration results from a T to C substitution at nucleotide position 3062, causing the isoleucine (I) at amino acid position 1021 to be replaced by a threonine (T). This variant was not reported in population-based cohorts in the Genome Aggregation Database (gnomAD). This amino acid position is highly conserved in available vertebrate species. This missense alteration is located in a region that has a low rate of benign missense variation (Lek, 2016; Firth, 2009). This alteration is predicted to be deleterious by in silico analysis. Based on the available evidence, this alteration is classified as likely pathogenic.